The following is an entry in ClinVar:

ClinVar aggregate classification (germline): Likely benign. Review status: criteria provided, multiple submitters, no conflicts (2 of 4 stars). 4 submissions from 4 submitters: Likely benign (4). Last evaluated 2026-04-01.

Conditions:
Autoinflammatory syndrome. Identifiers: Orphanet 93665, MedGen C3890737, MONDO:0019751.
Pityriasis rubra pilaris (PRP). Also called: Pityriasis rubra pilaris--familial type. Identifiers: Orphanet 2897, MedGen C0032027, MONDO:0100017, OMIM 173200, MONDO:0008251.
Psoriasis 2. Identifiers: MedGen C1864497, MONDO:0011269, OMIM 602723.

Allele frequency attached by ClinVar (database versions not stated): gnomAD 0.00002 and 0.00003; TOPMed 0.00004.
gnomAD v4.1: 63 of 1,549,098 alleles (0.0041%); highest among the groups gnomAD compares: African/African-American, 0.023%; 1 homozygote.

Submissions (4):

CeGaT Center for Human Genetics Tuebingen
Classification: Likely benign. Last evaluated: 2026-04-01. Review status: criteria provided, single submitter. Criteria: CeGaT Center For Human Genetics Tuebingen Variant Classification Criteria Version 2. Collection method: clinical testing. Allele origin: germline. Affected: yes. Observed: 2 variant alleles.
Comment: CARD14: BP4, BP7

Labcorp Genetics (formerly Invitae), Labcorp
Classification: Likely benign for Pityriasis rubra pilaris; Psoriasis 2. Last evaluated: 2025-01-01. Review status: criteria provided, single submitter. Criteria: Invitae Variant Classification Sherloc (09022015). Collection method: clinical testing. Allele origin: germline.

Blueprint Genetics
Classification: Likely benign. Last evaluated: 2024-07-23. Review status: criteria provided, single submitter. Criteria: ACMG Guidelines, 2015. Collection method: clinical testing. Allele origin: germline.

Genome Diagnostics Laboratory, The Hospital for Sick Children
Classification: Likely benign for Autoinflammatory syndrome. Last evaluated: 2016-12-12. Review status: criteria provided, single submitter. Criteria: ACMG Guidelines, 2015. Collection method: clinical testing. Allele origin: germline. Affected: yes.

NM_001366385.1(CARD14):c.198C>T (p.Ser66=)

Gene: CARD14 (caspase recruitment domain family member 14; plus strand). Cytogenetic location: 17q25.3.
Variant type: single nucleotide variant.
Coding change: c.198C>T on transcript NM_001366385.1 (MANE Select); coding-DNA position 198, C replaced by T.
Protein change: p.Ser66=; no amino-acid change (serine 66 retained).
Molecular consequence: synonymous variant. On other transcripts: non-coding transcript variant (1).
Genome position (GRCh38, 1-based): chr17:80,181,636, C>T. VCF-style: chr17-80181636-C-T. GRCh37 (hg19) VCF-style: chr17-78155435-C-T.
Other names: c.198C>T, p.Ser66= (NM_001257970.1, NM_024110.4).
Identifiers: ClinVar variation 761939 (VCV000761939.25), dbSNP rs1254076623, ClinGen allele CA502176612.